The following is an entry in ClinVar:

ClinVar aggregate classification (germline): Benign. Review status: criteria provided, multiple submitters, no conflicts (2 of 4 stars). 2 submissions from 2 submitters: Benign (2). Last evaluated 2018-06-14.

Allele frequency attached by ClinVar (database versions not stated): 1000 Genomes Project 30x 0.07558; 1000 Genomes Project 0.07648; TOPMed 0.09910; gnomAD 0.10682 and 0.10830.
gnomAD v4.1: 114,289 of 930,624 alleles (12%); highest among the groups gnomAD compares: Non-Finnish European, 14%; 8,202 homozygotes.

Submissions (2):

GeneDx
Classification: Benign. Last evaluated: 2018-06-14. Review status: criteria provided, single submitter. Criteria: GeneDx Variant Classification (06012015). Collection method: clinical testing. Allele origin: germline. Affected: yes.
Comment: This variant is considered likely benign or benign based on one or more of the following criteria: it is a conservative change, it occurs at a poorly conserved position in the protein, it is predicted to be benign by multiple in silico algorithms, and/or has population frequency not consistent with disease.

Breakthrough Genomics
Classification: Benign. Review status: criteria provided, single submitter. Criteria: ACMG Guidelines, 2015. Collection method: not provided. Allele origin: germline. Inheritance: Autosomal recessive inheritance. Affected: yes.

NM_001351169.2(NT5C2):c.688-103G>T

Gene: NT5C2 (5'-nucleotidase, cytosolic II; minus strand). Cytogenetic location: 10q24.32.
Variant type: single nucleotide variant.
Coding change: c.688-103G>T on transcript NM_001351169.2 (MANE Select); 103 bases into the intron before coding-DNA position 688, G replaced by T.
Molecular consequence: intron variant.
Genome position (GRCh38, 1-based): chr10:103,097,477, C>A on the plus strand (G>T on the coding strand, the complement: NT5C2 is on the minus strand). VCF-style: chr10-103097477-C-A. GRCh37 (hg19) VCF-style: chr10-104857234-C-A.
Other names: c.601-103G>T (NM_001351174.1); c.115-103G>T (NM_001351191.1, NM_001351192.1, NM_001351193.1 and 16 more transcripts); c.-27-103G>T (NM_001351194.2, NM_001351195.2, NM_001351196.2); c.688-103G>T (NM_001134373.3, NM_012229.5); c.712-103G>T (NM_001351170.2, NM_001351171.2, NM_001351172.2 and 1 more transcripts); c.595-103G>T (NM_001351175.2).
Identifiers: ClinVar variation 667735 (VCV000667735.2), dbSNP rs10883831, ClinGen allele CA13346375.